The following is an entry in ClinVar:

NM_001082971.2(DDC):c.331T>C (p.Cys111Arg)

Genes: DDC (dopa decarboxylase; minus strand), DDC-AS1 (DDC antisense RNA 1; plus strand). Cytogenetic location: 7p12.1.
Variant type: single nucleotide variant.
Coding change: c.331T>C on transcript NM_001082971.2 (MANE Select); coding-DNA position 331, T replaced by C.
Protein change: p.Cys111Arg; replaces cysteine 111 with arginine.
Molecular consequence: missense variant. On other transcripts: intron variant (1).
Genome position (GRCh38, 1-based): chr7:50,537,964, A>G on the plus strand (T>C on the coding strand, the complement: DDC is on the minus strand). VCF-style: chr7-50537964-A-G. GRCh37 (hg19) VCF-style: chr7-50605662-A-G.
Other names: c.331T>C, p.Cys111Arg (NM_000790.4, NM_001242887.2, NM_001242889.2 and 1 more transcripts); c.217T>C, p.Cys73Arg (NM_001242886.2); c.201+5921T>C (NM_001242888.2); short protein forms C111R, C73R.
Identifiers: ClinVar variation 2083950 (VCV002083950.5), dbSNP rs1431491786, ClinGen allele CA367528639.

ClinVar aggregate classification (germline): Uncertain significance. Review status: criteria provided, multiple submitters, no conflicts (2 of 4 stars). 2 submissions from 2 submitters: Uncertain significance (2). Last evaluated 2026-09-01.

Conditions:
Deficiency of aromatic-L-amino-acid decarboxylase. Also called: AADC DEFICIENCY; DDC DEFICIENCY; DOPA DECARBOXYLASE DEFICIENCY; Aromatic L-Amino Acid Decarboxylase Deficiency; Aromatic amino acid decarboxylase deficiency. Identifiers: Orphanet 35708, MedGen C1291564, MONDO:0012084, OMIM 608643.

gnomAD v4.1: 6 of 1,614,152 alleles (0.00037%); highest among the groups gnomAD compares: Non-Finnish European, 0.00051%; no homozygotes.

Submissions (2):

CeGaT Center for Human Genetics Tuebingen
Classification: Uncertain significance. Last evaluated: 2026-09-01. Review status: criteria provided, single submitter. Criteria: CeGaT Center For Human Genetics Tuebingen Variant Classification Criteria Version 2. Collection method: clinical testing. Allele origin: germline. Affected: yes. Observed: 1 variant allele.
Comment: DDC: PM2

Labcorp Genetics (formerly Invitae), Labcorp
Classification: Uncertain significance for Deficiency of aromatic-L-amino-acid decarboxylase. Last evaluated: 2022-06-14. Review status: criteria provided, single submitter. Criteria: Invitae Variant Classification Sherloc (09022015). Collection method: clinical testing. Allele origin: germline.
Comment: In summary, the available evidence is currently insufficient to determine the role of this variant in disease. Therefore, it has been classified as a Variant of Uncertain Significance. Algorithms developed to predict the effect of missense changes on protein structure and function (SIFT, PolyPhen-2, Align-GVGD) all suggest that this variant is likely to be disruptive. This variant has not been reported in the literature in individuals affected with DDC-related conditions. This variant is present in population databases (no rsID available, gnomAD 0.002%). This sequence change replaces cysteine, which is neutral and slightly polar, with arginine, which is basic and polar, at codon 111 of the DDC protein (p.Cys111Arg).